The following is an entry in ClinVar:

ClinVar aggregate classification (germline): Pathogenic. Review status: criteria provided, multiple submitters, no conflicts (2 of 4 stars). 2 submissions from 2 submitters: Pathogenic (2). Last evaluated 2025-09-03.

Conditions:
Inborn genetic diseases. Identifiers: MedGen C0950123, MeSH D030342.

Submissions (2):

Ambry Genetics
Classification: Pathogenic for Inborn genetic diseases. Last evaluated: 2025-09-03. Review status: criteria provided, single submitter. Criteria: Ambry Variant Classification Scheme 2023. Collection method: clinical testing. Allele origin: germline.
Comment: The c.803_804delGT pathogenic mutation, located in coding exon 3 of the MBD4 gene, results from a deletion of two nucleotides at nucleotide positions 803 to 804, causing a translational frameshift with a predicted alternate stop codon (p.C268*). This variant is considered to be rare based on population cohorts in the Genome Aggregation Database (gnomAD). This alteration is expected to result in loss of function by premature protein truncation or nonsense-mediated mRNA decay. As such, this alteration is interpreted as a disease-causing mutation.

CeGaT Center for Human Genetics Tuebingen
Classification: Pathogenic. Last evaluated: 2022-12-01. Review status: criteria provided, single submitter. Criteria: CeGaT Center For Human Genetics Tuebingen Variant Classification Criteria Version 2. Collection method: clinical testing. Allele origin: germline. Affected: yes. Observed: 1 variant allele.
Comment: MBD4: PVS1, PM2

NM_001276270.2(MBD4):c.803_804del (p.Val267_Cys268insTer)

Gene: MBD4 (methyl-CpG binding domain 4, DNA glycosylase; minus strand). Cytogenetic location: 3q21.3.
Variant type: Microsatellite.
Coding change: c.803_804del on transcript NM_001276270.2 (MANE Select); coding-DNA positions 803 to 804, 2 bases deleted (GT; older notation c.803_804delGT).
Protein change: p.Val267_Cys268insTer.
Molecular consequence: nonsense. On other transcripts: intron variant (1).
Genome position (GRCh38, 1-based): chr3:129,436,840-129,436,841, AC deleted on the plus strand (GT on the coding strand, the reverse complement: MBD4 is on the minus strand); deleting any 2 consecutive bases within chr3:129,436,840-129,436,846 gives the same sequence; the c. name uses the placement nearest the transcript's 3' end. VCF-style (leftmost placement, unchanged base first): chr3-129436839-TAC-T. GRCh37 (hg19) VCF-style: chr3-129155682-TAC-T.
Other names: c.803_804del, p.Val267_Cys268insTer (NM_001276271.2, NM_001276272.2, NM_003925.3); c.247+963GT[2] (NM_001276273.2); c.803_804delGT (NM_001276270.2).
Identifiers: ClinVar variation 1879590 (VCV001879590.30), dbSNP rs2072472677, ClinGen allele CA1401178960.